The following is an entry in ClinVar:

ClinVar aggregate classification (germline): Pathogenic/Likely pathogenic. Review status: criteria provided, multiple submitters, no conflicts (2 of 4 stars). 3 submissions from 3 submitters: Pathogenic (2); Likely pathogenic (1). Last evaluated 2025-12-08.

Conditions:
Joubert syndrome and related disorders. Identifiers: Orphanet 140874, MedGen C5679612, MONDO:0015369.
CPLANE1-related disorders.

gnomAD v4.1: 16 of 1,613,210 alleles (0.00099%); highest among the groups gnomAD compares: Non-Finnish European, 0.0014%; no homozygotes.

Submissions (3):

Women's Health and Genetics/Laboratory Corporation of America, LabCorp
Classification: Pathogenic for Joubert syndrome and related disorders. Last evaluated: 2025-12-08. Review status: criteria provided, single submitter. Criteria: LabCorp Variant Classification Summary - May 2015. Collection method: clinical testing. Allele origin: germline.
Comment: Variant summary: CPLANE1 c.8572A>T (p.Lys2858X) results in a premature termination codon, predicted to cause a truncation of the encoded protein or absence of the protein due to nonsense mediated decay, which are commonly known mechanisms for disease. The variant allele was found at a frequency of 4e-06 in 250894 control chromosomes. To our knowledge, no occurrence of c.8572A>T in individuals affected with CPLANE1-related conditions and no experimental evidence demonstrating its impact on protein function have been reported. No submitters have cited clinical-significance assessments for this variant to ClinVar. Based on the evidence outlined above, the variant was classified as pathogenic.

Labcorp Genetics (formerly Invitae), Labcorp
Classification: Pathogenic. Last evaluated: 2025-04-17. Review status: criteria provided, single submitter. Criteria: Invitae Variant Classification Sherloc (09022015). Collection method: clinical testing. Allele origin: germline.
Comment: This sequence change creates a premature translational stop signal (p.Lys2858*) in the CPLANE1 gene. It is expected to result in an absent or disrupted protein product. Loss-of-function variants in CPLANE1 are known to be pathogenic (PMID: 24178751, 26092869). This variant is present in population databases (no rsID available, gnomAD 0.0009%). This variant has not been reported in the literature in individuals affected with CPLANE1-related conditions. For these reasons, this variant has been classified as Pathogenic.

Blueprint Genetics
Classification: Likely pathogenic for CPLANE1-related disorders. Last evaluated: 2023-06-02. Review status: criteria provided, single submitter. Criteria: ACMG Guidelines, 2015. Collection method: clinical testing. Allele origin: germline. Affected: yes. Observed: 2 variant alleles.

Literature cited by the submitters: PubMed 24178751 (cited by Labcorp Genetics (formerly Invitae), Labcorp); PubMed 26092869 (cited by Labcorp Genetics (formerly Invitae), Labcorp).

NM_001384732.1(CPLANE1):c.8734A>T (p.Lys2912Ter)

Gene: CPLANE1 (ciliogenesis and planar polarity effector complex subunit 1; minus strand). Cytogenetic location: 5p13.2.
Variant type: single nucleotide variant.
Coding change: c.8734A>T on transcript NM_001384732.1 (MANE Select); coding-DNA position 8734, A replaced by T.
Protein change: p.Lys2912Ter; replaces lysine 2912 with a stop codon.
Molecular consequence: nonsense.
Genome position (GRCh38, 1-based): chr5:37,138,778, T>A on the plus strand (A>T on the coding strand, the complement: CPLANE1 is on the minus strand). VCF-style: chr5-37138778-T-A. GRCh37 (hg19) VCF-style: chr5-37138880-T-A.
Other names: c.8572A>T, p.Lys2858Ter (NM_023073.4); short protein forms K2858*, K2912*.
Identifiers: ClinVar variation 4688498 (VCV004688498.3).